The following is an entry in ClinVar:

ClinVar aggregate classification (germline): Uncertain significance. Review status: criteria provided, multiple submitters, no conflicts (2 of 4 stars). 3 submissions from 3 submitters: Uncertain significance (3). Last evaluated 2024-08-23.

Conditions:
Donnai-Barrow syndrome. Also called: FACIOOCULOACOUSTICORENAL SYNDROME; DBS/FOAR SYNDROME. Identifiers: Orphanet 2143, MedGen C1857277, MONDO:0009104, OMIM 222448.

gnomAD v4.1: 8 of 1,613,904 alleles (0.0005%); highest among the groups gnomAD compares: Middle Eastern, 0.033%; no homozygotes.

Submissions (3):

Blueprint Genetics
Classification: Uncertain significance. Last evaluated: 2024-08-23. Review status: criteria provided, single submitter. Criteria: ACMG Guidelines, 2015. Collection method: clinical testing. Allele origin: germline.

Labcorp Genetics (formerly Invitae), Labcorp
Classification: Uncertain significance. Last evaluated: 2024-07-31. Review status: criteria provided, single submitter. Criteria: Invitae Variant Classification Sherloc (09022015). Collection method: clinical testing. Allele origin: germline.
Comment: This sequence change replaces asparagine, which is neutral and polar, with serine, which is neutral and polar, at codon 3205 of the LRP2 protein (p.Asn3205Ser). This variant is present in population databases (rs749682439, gnomAD 0.002%). This variant has not been reported in the literature in individuals affected with LRP2-related conditions. Advanced modeling of protein sequence and biophysical properties (such as structural, functional, and spatial information, amino acid conservation, physicochemical variation, residue mobility, and thermodynamic stability) performed at Invitae indicates that this missense variant is not expected to disrupt LRP2 protein function with a negative predictive value of 95%. In summary, the available evidence is currently insufficient to determine the role of this variant in disease. Therefore, it has been classified as a Variant of Uncertain Significance.

Fulgent Genetics
Classification: Uncertain significance for Donnai-Barrow syndrome. Last evaluated: 2024-05-08. Review status: criteria provided, single submitter. Criteria: ACMG Guidelines, 2015. Collection method: clinical testing. Allele origin: germline.

NM_004525.3(LRP2):c.9614A>G (p.Asn3205Ser)

Gene: LRP2 (LDL receptor related protein 2; minus strand). Cytogenetic location: 2q31.1.
Variant type: single nucleotide variant.
Coding change: c.9614A>G on transcript NM_004525.3 (MANE Select); coding-DNA position 9614, A replaced by G.
Protein change: p.Asn3205Ser; replaces asparagine 3205 with serine.
Molecular consequence: missense variant.
Genome position (GRCh38, 1-based): chr2:169,185,734, T>C on the plus strand (A>G on the coding strand, the complement: LRP2 is on the minus strand). VCF-style: chr2-169185734-T-C. GRCh37 (hg19) VCF-style: chr2-170042244-T-C.
Other names: short protein forms N3205S.
Identifiers: ClinVar variation 3584743 (VCV003584743.4).